The following is an entry in ClinVar:

ClinVar aggregate classification (germline): Benign (1 of 4 stars; one submission).

Allele frequency attached by ClinVar (database versions not stated): gnomAD 0.01087 and 0.01181; 1000 Genomes Project 0.01138; gnomAD exomes 0.00102 and 0.00277; ExAC 0.00334; 1000 Genomes Project 30x 0.01218; TOPMed 0.01218; ESP Exome Variant Server 0.01169.
gnomAD v4.1: 3,149 of 1,553,664 alleles (0.2%); highest among the groups gnomAD compares: African/African-American, 3.8%; 71 homozygotes.

Submission:

GeneDx
Classification: Benign. Last evaluated: 2017-01-03. Review status: criteria provided, single submitter. Criteria: GeneDx Variant Classification (06012015). Collection method: clinical testing. Allele origin: germline. Affected: yes.
Comment: This variant is considered likely benign or benign based on one or more of the following criteria: it is a conservative change, it occurs at a poorly conserved position in the protein, it is predicted to be benign by multiple in silico algorithms, and/or has population frequency not consistent with disease.

NM_000290.3(PGAM2):c.-50T>G

Genes: DBNL (drebrin like; plus strand), PGAM2 (phosphoglycerate mutase 2; minus strand). Cytogenetic location: 7p13.
Variant type: single nucleotide variant.
Coding change: c.-50T>G on transcript NM_000290.3; 50 bases upstream of the start codon, T replaced by G.
Molecular consequence: 3 prime UTR variant (on NM_001014436.3).
Genome position (GRCh38, 1-based): chr7:44,065,579, A>C on the plus strand (T>G on the coding strand, the complement: PGAM2 is on the minus strand). VCF-style: chr7-44065579-A-C. GRCh37 (hg19) VCF-style: chr7-44105178-A-C.
Other names: c.*4663A>C (NM_001014436.3, NM_001122956.2, NM_001284313.2 and 3 more transcripts).
Identifiers: ClinVar variation 381441 (VCV000381441.3), dbSNP rs113274029, ClinGen allele CA4236720.